The following is an entry in ClinVar:

NM_001849.4(COL6A2):c.637C>T (p.Arg213Cys)

Gene: COL6A2 (collagen type VI alpha 2 chain; plus strand). Cytogenetic location: 21q22.3.
Variant type: single nucleotide variant.
Coding change: c.637C>T on transcript NM_001849.4 (MANE Select); coding-DNA position 637, C replaced by T.
Protein change: p.Arg213Cys; replaces arginine 213 with cysteine.
Molecular consequence: missense variant.
Genome position (GRCh38, 1-based): chr21:46,112,500, C>T. VCF-style: chr21-46112500-C-T. GRCh37 (hg19) VCF-style: chr21-47532414-C-T.
Other names: c.637C>T (NM_001849.3); c.637C>T, p.Arg213Cys (NM_058174.3, NM_058175.3); short protein forms R213C.
Identifiers: ClinVar variation 498979 (VCV000498979.13), dbSNP rs374196682, ClinGen allele CA10071358.

ClinVar aggregate classification (germline): Uncertain significance. Review status: criteria provided, multiple submitters, no conflicts (2 of 4 stars). 4 submissions from 4 submitters: Uncertain significance (4). Last evaluated 2025-06-16.

Conditions:
Inborn genetic diseases. Identifiers: MedGen C0950123, MeSH D030342.
Bethlem myopathy 1A. Also called: Bethlem Muscular Dystrophy; MYOPATHY, BENIGN CONGENITAL, WITH CONTRACTURES; Bethlem myopathy 1. Identifiers: Orphanet 610, MedGen CN029274, MONDO:0024530, OMIM 158810.

Allele frequency attached by ClinVar (database versions not stated): gnomAD exomes 0.00001 and 0.00002; ExAC 0.00002; TOPMed 0.00004; gnomAD 0.00005; ESP Exome Variant Server 0.00008.
gnomAD v4.1: 30 of 1,611,830 alleles (0.0019%); highest among the groups gnomAD compares: Admixed American, 0.013%; no homozygotes.

Submissions (4):

Ambry Genetics
Classification: Uncertain significance for Inborn genetic diseases. Last evaluated: 2025-06-16. Review status: criteria provided, single submitter. Criteria: Ambry Variant Classification Scheme 2023. Collection method: clinical testing. Allele origin: germline.

Revvity Omics, Revvity
Classification: Uncertain significance. Last evaluated: 2022-04-14. Review status: criteria provided, single submitter. Criteria: ACMG Guidelines, 2015. Collection method: clinical testing. Allele origin: germline.

Labcorp Genetics (formerly Invitae), Labcorp
Classification: Uncertain significance for Bethlem myopathy 1A. Last evaluated: 2022-02-25. Review status: criteria provided, single submitter. Criteria: Invitae Variant Classification Sherloc (09022015). Collection method: clinical testing. Allele origin: germline.
Comment: In summary, the available evidence is currently insufficient to determine the role of this variant in disease. Therefore, it has been classified as a Variant of Uncertain Significance. Algorithms developed to predict the effect of missense changes on protein structure and function are either unavailable or do not agree on the potential impact of this missense change (SIFT: "Deleterious"; PolyPhen-2: "Probably Damaging"; Align-GVGD: "Class C0"). ClinVar contains an entry for this variant (Variation ID: 498979). This variant has not been reported in the literature in individuals affected with COL6A2-related conditions. The frequency data for this variant in the population databases is considered unreliable, as metrics indicate poor data quality at this position in the gnomAD database. This sequence change replaces arginine, which is basic and polar, with cysteine, which is neutral and slightly polar, at codon 213 of the COL6A2 protein (p.Arg213Cys).

Eurofins Ntd Llc (ga)
Classification: Uncertain significance. Last evaluated: 2016-12-20. Review status: criteria provided, single submitter. Criteria: EGL Classification Definitions 2015. Collection method: clinical testing. Allele origin: germline. Observed: 1 variant allele, 1 heterozygote.